The following is an entry in ClinVar:

ClinVar aggregate classification (germline): Uncertain significance (1 of 4 stars; one submission).

Conditions:
Primary ciliary dyskinesia 7. Also called: CILIARY DYSKINESIA, PRIMARY, 7, WITH OR WITHOUT SITUS INVERSUS. Identifiers: Orphanet 244, MedGen C2678473, MONDO:0012748, OMIM 611884.

gnomAD v4.1: 1 of 1,611,110 alleles (0.000062%); highest among the groups gnomAD compares: Non-Finnish European, 0.000085%; no homozygotes.

Submission:

Broad Center for Mendelian Genomics, Broad Institute of MIT and Harvard
Classification: Uncertain significance for Primary ciliary dyskinesia 7. Last evaluated: 2025-02-14. Review status: criteria provided, single submitter. Criteria: ACMG Guidelines, 2015. Collection method: curation. Allele origin: germline. Inheritance: Autosomal recessive inheritance.
Comment: The c.6273+1G>T variant in DNAH11 has been reported, in the homozygous state, in 1 individual with primary ciliary dyskinesia (PMID: 31765523), and has been identified in 0.00008% (1/1178204) of European (non-Finnish) chromosomes by the Genome Aggregation Database (gnomAD). Although this variant has been seen in the general population in a heterozygous state, its frequency is low enough to be consistent with a recessive carrier frequency. This variant is located in the 3' splice region. Computational tools predict a splicing impact, though this information is not predictive enough to determine pathogenicity. This variant is adjacent to an in-frame exon and is more likely to escape nonsense mediated decay (NMD) and result in a truncated protein. Loss of function of the DNAH11 gene is an established disease mechanism in autosomal recessive primary ciliary dyskinesia. In summary, the clinical significance of the c.6273+1G>T variant is uncertain. ACMG/AMP Criteria applied: PVS1_moderate, PM2_supporting, PM3_supporting (Richards 2015).

NM_001277115.2(DNAH11):c.6273+1G>T

Gene: DNAH11 (dynein axonemal heavy chain 11; plus strand). Cytogenetic location: 7p15.3.
Variant type: single nucleotide variant.
Coding change: c.6273+1G>T on transcript NM_001277115.2 (MANE Select); the canonical splice donor site of the intron after coding-DNA position 6273, G replaced by T.
Molecular consequence: splice donor variant.
Genome position (GRCh38, 1-based): chr7:21,702,803, G>T. VCF-style: chr7-21702803-G-T. GRCh37 (hg19) VCF-style: chr7-21742421-G-T.
Other names: NM_001277115.2:c.6273+1G>T.
Identifiers: ClinVar variation 3776929 (VCV003776929.1).
Genomic context (GRCh38, chr7:21,702,803, plus strand): 5'-TCTGTCTTGGTTGTGGCTGGATCTCTGAAACGAGGAGATAAAAATAGACCCGAAGATCAG[G>T]TACTGCAATGCTAATATGATTTTGTTGAGTGAGTAGCTGGCCTGCTTCACAGACATGAAA-3'